The following is an entry in ClinVar:

NM_032776.3(JMJD1C):c.2690G>A (p.Arg897Lys)

Gene: JMJD1C (jumonji domain containing 1C; minus strand). Cytogenetic location: 10q21.3.
Variant type: single nucleotide variant.
Coding change: c.2690G>A on transcript NM_032776.3 (MANE Select); coding-DNA position 2690, G replaced by A.
Protein change: p.Arg897Lys; replaces arginine 897 with lysine.
Molecular consequence: missense variant. On other transcripts: non-coding transcript variant (1).
Genome position (GRCh38, 1-based): chr10:63,213,477, C>T on the plus strand (G>A on the coding strand, the complement: JMJD1C is on the minus strand). VCF-style: chr10-63213477-C-T. GRCh37 (hg19) VCF-style: chr10-64973237-C-T.
Other names: c.2144G>A, p.Arg715Lys (NM_001282948.2, NM_001318154.2); c.1826G>A, p.Arg609Lys (NM_001318153.2); c.2576G>A, p.Arg859Lys (NM_001322252.2); c.2033G>A, p.Arg678Lys (NM_001322254.2, NM_001322258.2); short protein forms R859K, R897K, R678K, R715K, R609K.
Identifiers: ClinVar variation 2063025 (VCV002063025.4), dbSNP rs532717116, ClinGen allele CA377044313.
Genomic context (GRCh38, chr10:63,213,477, plus strand): 5'-ACCTGTACATGTTCATTAATATATACTGCTATGTGGCAAACTACAGTGTAACTTACCCTC[C>T]TTAATGAAGCTTCAGCATTAACTGCATTTTCTGGGTGAACCCACTTAGAAGAAGGCAAAC-3'
Protein context (NP_116165.1, residues 887-907): ENAVNAEASL[Arg897Lys]RNSPSPWLHQ

ClinVar aggregate classification (germline): Uncertain significance (1 of 4 stars; one submission).

Conditions:
Early Myoclonic Encephalopathy. Identifiers: MedGen C0270855.

gnomAD v4.1: 1 of 1,579,708 alleles (0.000063%); highest among the groups gnomAD compares: African/African-American, 0.0013%; no homozygotes.

Submission:

Labcorp Genetics (formerly Invitae), Labcorp
Classification: Uncertain significance for Early Myoclonic Encephalopathy. Last evaluated: 2023-11-01. Review status: criteria provided, single submitter. Criteria: Invitae Variant Classification Sherloc (09022015). Collection method: clinical testing. Allele origin: germline.
Comment: This sequence change replaces arginine, which is basic and polar, with lysine, which is basic and polar, at codon 897 of the JMJD1C protein (p.Arg897Lys). This variant is not present in population databases (gnomAD no frequency). This variant has not been reported in the literature in individuals affected with JMJD1C-related conditions. ClinVar contains an entry for this variant (Variation ID: 2063025). Advanced modeling of protein sequence and biophysical properties (such as structural, functional, and spatial information, amino acid conservation, physicochemical variation, residue mobility, and thermodynamic stability) performed at Invitae indicates that this missense variant is not expected to disrupt JMJD1C protein function with a negative predictive value of 80%. In summary, the available evidence is currently insufficient to determine the role of this variant in disease. Therefore, it has been classified as a Variant of Uncertain Significance.